The following is an entry in ClinVar:

NM_018109.4(MTPAP):c.764A>G (p.Asn255Ser)

Gene: MTPAP (mitochondrial poly(A) polymerase; minus strand). Cytogenetic location: 10p11.23.
Variant type: single nucleotide variant.
Coding change: c.764A>G on transcript NM_018109.4 (MANE Select); coding-DNA position 764, A replaced by G.
Protein change: p.Asn255Ser; replaces asparagine 255 with serine.
Molecular consequence: missense variant.
Genome position (GRCh38, 1-based): chr10:30,336,819, T>C on the plus strand (A>G on the coding strand, the complement: MTPAP is on the minus strand). VCF-style: chr10-30336819-T-C. GRCh37 (hg19) VCF-style: chr10-30625748-T-C.
Other names: c.764A>G (NM_018109.3); short protein forms N255S.
Identifiers: ClinVar variation 1439021 (VCV001439021.4), dbSNP rs1362231977, ClinGen allele CA376425325.

ClinVar aggregate classification (germline): Uncertain significance. Review status: criteria provided, multiple submitters, no conflicts (2 of 4 stars). 2 submissions from 2 submitters: Uncertain significance (2). Last evaluated 2024-12-19.

Allele frequency attached by ClinVar (database versions not stated): gnomAD exomes below 0.00001; gnomAD 0.00001; TOPMed 0.00001.
gnomAD v4.1: 2 of 1,609,188 alleles (0.00012%); highest among the groups gnomAD compares: Admixed American, 0.0017%; no homozygotes.

Submissions (2):

Athena Diagnostics
Classification: Uncertain significance. Last evaluated: 2024-12-19. Review status: criteria provided, single submitter. Criteria: Athena Diagnostics Criteria. Collection method: clinical testing. Allele origin: unknown.
Comment: Available data are insufficient to determine the clinical significance of the variant at this time. The frequency of this variant in the general population is uninformative in assessment of its pathogenicity. Polyphen and MutationTaster predict this amino acid change may be benign.

Labcorp Genetics (formerly Invitae), Labcorp
Classification: Uncertain significance. Last evaluated: 2022-08-31. Review status: criteria provided, single submitter. Criteria: Invitae Variant Classification Sherloc (09022015). Collection method: clinical testing. Allele origin: germline.
Comment: This sequence change replaces asparagine, which is neutral and polar, with serine, which is neutral and polar, at codon 255 of the MTPAP protein (p.Asn255Ser). This variant is present in population databases (no rsID available, gnomAD 0.003%). This variant has not been reported in the literature in individuals affected with MTPAP-related conditions. ClinVar contains an entry for this variant (Variation ID: 1439021). Algorithms developed to predict the effect of missense changes on protein structure and function (SIFT, PolyPhen-2, Align-GVGD) all suggest that this variant is likely to be tolerated. In summary, the available evidence is currently insufficient to determine the role of this variant in disease. Therefore, it has been classified as a Variant of Uncertain Significance.